The following is an entry in ClinVar:

ClinVar aggregate classification (germline): Benign (0 of 4 stars; one submission).

Conditions:
DLK1-related disorder. Also called: DLK1-related condition.

Allele frequency attached by ClinVar (database versions not stated): gnomAD exomes 0.53744; ESP Exome Variant Server 0.58235; gnomAD 0.62281; TOPMed 0.62362; ExAC 0.62800; 1000 Genomes Project 30x 0.73267; 1000 Genomes Project 0.74321.
gnomAD v4.1: 881,556 of 1,613,058 alleles (55%); highest among the groups gnomAD compares: East Asian, 100%; 252,025 homozygotes.

Submission:

PreventionGenetics, part of Exact Sciences
Classification: Benign for DLK1-related condition. Last evaluated: 2019-10-17. Review status: no assertion criteria provided. Collection method: clinical testing. Allele origin: germline.
Comment: This variant is classified as benign based on ACMG/AMP sequence variant interpretation guidelines (Richards et al. 2015 PMID: 25741868, with internal and published modifications).

NM_003836.7(DLK1):c.564T>C (p.Ile188=)

Gene: DLK1 (delta like non-canonical Notch ligand 1; plus strand). Cytogenetic location: 14q32.2.
Variant type: single nucleotide variant.
Coding change: c.564T>C on transcript NM_003836.7 (MANE Select); coding-DNA position 564, T replaced by C.
Protein change: p.Ile188=; no amino-acid change (isoleucine 188 retained).
Molecular consequence: synonymous variant.
Genome position (GRCh38, 1-based): chr14:100,734,308, T>C. VCF-style: chr14-100734308-T-C. GRCh37 (hg19) VCF-style: chr14-101200645-T-C.
Other names: c.564T>C, p.Ile188= (NM_001317172.2).
Identifiers: ClinVar variation 3059696 (VCV003059696.2), dbSNP rs1802710, ClinGen allele CA7346662.